The following is an entry in ClinVar:

NM_005902.4(SMAD3):c.770_809del (p.Val257fs)

Gene: SMAD3 (SMAD family member 3; plus strand). Cytogenetic location: 15q22.33.
Variant type: Deletion.
Coding change: c.770_809del on transcript NM_005902.4 (MANE Select); coding-DNA positions 770 to 809, 40 bases deleted.
Protein change: p.Val257fs; shifts the reading frame from valine 257.
Molecular consequence: frameshift variant.
Genome position (GRCh38, 1-based): chr15:67,181,352-67,181,391, 40 bases deleted; deleting any 40 consecutive bases within chr15:67,181,349-67,181,391 gives the same sequence; the c. name uses the placement nearest the transcript's 3' end. GRCh37 (hg19): chr15:67,473,690-67,473,729.
Other names: c.455_494del, p.Val152fs (NM_001145102.2, NM_001407016.1); c.638_677del, p.Val213fs (NM_001145103.2, NM_001407012.1); c.185_224del, p.Val62fs (NM_001145104.2, NM_001407017.1); c.770_809del, p.Val257fs (NM_001407011.1, NM_001407013.1); c.623_662del, p.Val208fs (NM_001407014.1); c.323_362del, p.Val108fs (NM_001407015.1); short protein forms V257fs, V213fs, V152fs, V108fs, V208fs, V62fs.
Identifiers: ClinVar variation 2702719 (VCV002702719.3), dbSNP rs2505283996, ClinGen allele CA2697549151.

ClinVar aggregate classification (germline): Pathogenic (1 of 4 stars; one submission).

Conditions:
Familial thoracic aortic aneurysm and aortic dissection (TAAD). Also called: Thoracic aortic aneurysms and dissections. Identifiers: Orphanet 91387, MedGen C4707243, MONDO:0019625.

Submission:

Labcorp Genetics (formerly Invitae), Labcorp
Classification: Pathogenic for Familial thoracic aortic aneurysm and aortic dissection. Last evaluated: 2023-12-13. Review status: criteria provided, single submitter. Criteria: Invitae Variant Classification Sherloc (09022015). Collection method: clinical testing. Allele origin: germline.
Comment: This sequence change creates a premature translational stop signal (p.Val257Alafs*2) in the SMAD3 gene. It is expected to result in an absent or disrupted protein product. Loss-of-function variants in SMAD3 are known to be pathogenic (PMID: 21778426, 24804794). This variant is not present in population databases (gnomAD no frequency). This variant has not been reported in the literature in individuals affected with SMAD3-related conditions. For these reasons, this variant has been classified as Pathogenic.

Literature cited by the submitters: PubMed 21778426; PubMed 24804794.